The following is an entry in ClinVar:

NM_000246.4(CIITA):c.*103T>C

Gene: CIITA (class II major histocompatibility complex transactivator; plus strand). Cytogenetic location: 16p13.13.
Variant type: single nucleotide variant.
Coding change: c.*103T>C on transcript NM_000246.4 (MANE Select); 103 bases downstream of the stop codon, T replaced by C.
Molecular consequence: 3 prime UTR variant. On other transcripts: non-coding transcript variant (1), intron variant (5).
Genome position (GRCh38, 1-based): chr16:10,923,958, T>C. VCF-style: chr16-10923958-T-C. GRCh37 (hg19) VCF-style: chr16-11017815-T-C.
Other names: c.*103T>C (NM_001286402.1, NM_001286403.2); c.*22+633T>C (NM_001379332.1, NM_001379330.1, NM_001379333.1 and 2 more transcripts).
Identifiers: ClinVar variation 317728 (VCV000317728.30), dbSNP rs45617532, ClinGen allele CA10646923.
Genomic context (GRCh38, chr16:10,923,958, plus strand): 5'-ACCACGCTGGACCTTGAACTGGGTACTTGTGGACACAGCTCTTCTCCAGGCTGTATCCCA[T>C]GAGCCTCAGCATCCTGGCACCCGGCCCCTGCTGGTTCAGGGTTGGCCCCTGCCCGGCTGC-3'

ClinVar aggregate classification (germline): Conflicting classifications of pathogenicity. Review status: criteria provided, conflicting classifications (1 of 4 stars). 3 submissions from 3 submitters: Uncertain significance (2); Likely benign (1). Last evaluated 2023-07-01.

Conditions:
MHC class II deficiency. Also called: Bare lymphocyte syndrome 2; BLS, TYPE II. Identifiers: Orphanet 572, MedGen C5447452, MONDO:0008855.

Allele frequency attached by ClinVar (database versions not stated): 1000 Genomes Project 0.00339; 1000 Genomes Project 30x 0.00375; TOPMed 0.00679; gnomAD 0.00711 and 0.00712; gnomAD exomes 0.01136.
gnomAD v4.1: 1,098 of 153,350 alleles (0.72%); highest among the groups gnomAD compares: Middle Eastern, 2.7%; 2 homozygotes.

Submissions (3):

CeGaT Center for Human Genetics Tuebingen
Classification: Likely benign. Last evaluated: 2023-07-01. Review status: criteria provided, single submitter. Criteria: CeGaT Center For Human Genetics Tuebingen Variant Classification Criteria Version 2. Collection method: clinical testing. Allele origin: germline. Affected: yes. Observed: 4 variant alleles.
Comment: CIITA: BS1

Illumina Laboratory Services, Illumina
Classification: Uncertain significance for MHC class II deficiency 1. Last evaluated: 2018-01-13. Review status: criteria provided, single submitter. Criteria: ICSL Variant Classification Criteria 13 December 2019. Collection method: clinical testing. Allele origin: germline.

Breakthrough Genomics
Classification: Uncertain significance. Review status: criteria provided, single submitter. Criteria: ACMG Guidelines, 2015. Collection method: not provided. Allele origin: germline. Inheritance: Autosomal recessive inheritance. Affected: yes.